The following is an entry in ClinVar:

NM_000287.4(PEX6):c.2565C>A (p.Asp855Glu)

Gene: PEX6 (peroxisomal biogenesis factor 6; minus strand). Cytogenetic location: 6p21.1.
Variant type: single nucleotide variant.
Coding change: c.2565C>A on transcript NM_000287.4 (MANE Select); coding-DNA position 2565, C replaced by A.
Protein change: p.Asp855Glu; replaces aspartic acid 855 with glutamic acid.
Molecular consequence: missense variant. On other transcripts: non-coding transcript variant (1).
Genome position (GRCh38, 1-based): chr6:42,965,275, G>T on the plus strand (C>A on the coding strand, the complement: PEX6 is on the minus strand). VCF-style: chr6-42965275-G-T. GRCh37 (hg19) VCF-style: chr6-42933013-G-T.
Other names: c.2301C>A, p.Asp767Glu (NM_001316313.2); short protein forms D767E, D855E.
Identifiers: ClinVar variation 2097954 (VCV002097954.4), dbSNP rs2481199795, ClinGen allele CA364150909.

ClinVar aggregate classification (germline): Uncertain significance (1 of 4 stars; one submission).

Conditions:
Peroxisome biogenesis disorder. Identifiers: Orphanet 79189, MedGen C1832200, MONDO:0019234. Disease mechanism: loss of function.

Submission:

Labcorp Genetics (formerly Invitae), Labcorp
Classification: Uncertain significance for Peroxisome biogenesis disorder. Last evaluated: 2022-08-01. Review status: criteria provided, single submitter. Criteria: Invitae Variant Classification Sherloc (09022015). Collection method: clinical testing. Allele origin: germline.
Comment: In summary, the available evidence is currently insufficient to determine the role of this variant in disease. Therefore, it has been classified as a Variant of Uncertain Significance. Algorithms developed to predict the effect of missense changes on protein structure and function (SIFT, PolyPhen-2, Align-GVGD) all suggest that this variant is likely to be disruptive. This variant has not been reported in the literature in individuals affected with PEX6-related conditions. This variant is not present in population databases (gnomAD no frequency). This sequence change replaces aspartic acid, which is acidic and polar, with glutamic acid, which is acidic and polar, at codon 855 of the PEX6 protein (p.Asp855Glu).